The following is an entry in ClinVar:

NM_015374.3(SUN2):c.1016G>T (p.Arg339Leu)

Genes: GTPBP1 (GTP binding protein 1; plus strand), SUN2 (Sad1 and UNC84 domain containing 2; minus strand). Cytogenetic location: 22q13.1.
Variant type: single nucleotide variant.
Coding change: c.1016G>T on transcript NM_015374.3 (MANE Select); coding-DNA position 1016, G replaced by T.
Protein change: p.Arg339Leu; replaces arginine 339 with leucine.
Molecular consequence: missense variant. On other transcripts: intron variant (3).
Genome position (GRCh38, 1-based): chr22:38,742,353, C>A on the plus strand (G>T on the coding strand, the complement: SUN2 is on the minus strand). VCF-style: chr22-38742353-C-A. GRCh37 (hg19) VCF-style: chr22-39138358-C-A.
Other names: c.1079G>T, p.Arg360Leu (NM_001199579.2, NM_001394428.1); c.1016G>T, p.Arg339Leu (NM_001199580.2, NM_001394431.1, NM_001394432.1 and 5 more transcripts); c.1109G>T, p.Arg370Leu (NM_001394427.1); c.1061G>T, p.Arg354Leu (NM_001394429.1, NM_001394430.1); c.926G>T, p.Arg309Leu (NM_001394438.1); c.878G>T, p.Arg293Leu (NM_001394439.1, NM_001394440.1, NM_001394441.1); c.524G>T, p.Arg175Leu (NM_001394443.1); c.615-1921G>T (NM_001394444.1, NM_001394445.1); and 1 more; short protein forms R309L, R354L, R360L, R293L, R175L, R339L, R370L.
Identifiers: ClinVar variation 2323053 (VCV002323053.5), dbSNP rs766230597, ClinGen allele CA10235692.

ClinVar aggregate classification (germline): Uncertain significance. Review status: criteria provided, multiple submitters, no conflicts (2 of 4 stars). 2 submissions from 2 submitters: Uncertain significance (2). Last evaluated 2023-11-02.

Conditions:
Emery-Dreifuss muscular dystrophy (EDMD). Also called: Scapuloperoneal syndrome, X-linked (formerly); Humeroperoneal neuromuscular disease, (formerly). Identifiers: Orphanet 261, MedGen C0410189, MONDO:0016830.

gnomAD v4.1: 4 of 1,611,996 alleles (0.00025%); highest among the groups gnomAD compares: South Asian, 0.0033%; no homozygotes.

Submissions (2):

Labcorp Genetics (formerly Invitae), Labcorp
Classification: Uncertain significance for Emery-Dreifuss muscular dystrophy. Last evaluated: 2023-11-02. Review status: criteria provided, single submitter. Criteria: Invitae Variant Classification Sherloc (09022015). Collection method: clinical testing. Allele origin: germline.
Comment: This sequence change replaces arginine, which is basic and polar, with leucine, which is neutral and non-polar, at codon 339 of the SUN2 protein (p.Arg339Leu). This variant is present in population databases (rs766230597, gnomAD 0.003%). This variant has not been reported in the literature in individuals affected with SUN2-related conditions. ClinVar contains an entry for this variant (Variation ID: 2323053). An algorithm developed to predict the effect of missense changes on protein structure and function (PolyPhen-2) suggests that this variant is likely to be disruptive. In summary, the available evidence is currently insufficient to determine the role of this variant in disease. Therefore, it has been classified as a Variant of Uncertain Significance.

Ambry Genetics
Classification: Uncertain significance. Last evaluated: 2022-11-08. Review status: criteria provided, single submitter. Criteria: Ambry Variant Classification Scheme 2023. Collection method: clinical testing. Allele origin: germline.